The following is an entry in ClinVar:

NM_033026.6(PCLO):c.14596+10A>G

Gene: PCLO (piccolo presynaptic cytomatrix protein; minus strand). Cytogenetic location: 7q21.11.
Variant type: single nucleotide variant.
Coding change: c.14596+10A>G on transcript NM_033026.6 (MANE Select); 10 bases into the intron after coding-DNA position 14596, A replaced by G.
Molecular consequence: intron variant.
Genome position (GRCh38, 1-based): chr7:82,824,226, T>C on the plus strand (A>G on the coding strand, the complement: PCLO is on the minus strand). VCF-style: chr7-82824226-T-C. GRCh37 (hg19) VCF-style: chr7-82453542-T-C.
Other names: c.14596+10A>G (NM_014510.3).
Identifiers: ClinVar variation 709805 (VCV000709805.13), dbSNP rs373317266, ClinGen allele CA4318771.

ClinVar aggregate classification (germline): Benign/Likely benign. Review status: criteria provided, multiple submitters, no conflicts (2 of 4 stars). 3 submissions from 3 submitters: Benign (1); Likely benign (1). 1 of the submissions does not count toward it. Last evaluated 2026-01-28.

Conditions:
PCLO-related disorder. Also called: PCLO-related condition.

Allele frequency attached by ClinVar (database versions not stated): 1000 Genomes Project 30x 0.00094; 1000 Genomes Project 0.00100; ESP Exome Variant Server 0.00152; TOPMed 0.00207.
gnomAD v4.1: 485 of 1,578,688 alleles (0.031%); highest among the groups gnomAD compares: African/African-American, 0.57%; 2 homozygotes.

Submissions (3):

Labcorp Genetics (formerly Invitae), Labcorp
Classification: Benign. Last evaluated: 2026-01-28. Review status: criteria provided, single submitter. Criteria: Invitae Variant Classification Sherloc (09022015). Collection method: clinical testing. Allele origin: germline.

Blueprint Genetics
Classification: Likely benign. Last evaluated: 2024-10-09. Review status: criteria provided, single submitter. Criteria: ACMG Guidelines, 2015. Collection method: clinical testing. Allele origin: germline.

PreventionGenetics, part of Exact Sciences
Classification: Benign for PCLO-related condition. Last evaluated: 2024-09-06. Review status: no assertion criteria provided. Collection method: clinical testing. Allele origin: germline. Not counted in ClinVar's aggregate classification.
Comment: This variant is classified as benign based on ACMG/AMP sequence variant interpretation guidelines (Richards et al. 2015 PMID: 25741868, with internal and published modifications).